The following is an entry in ClinVar:

NM_016492.5(RANGRF):c.67A>T (p.Ile23Phe)

Genes: RANGRF (RAN guanine nucleotide release factor; plus strand), SLC25A35 (solute carrier family 25 member 35; minus strand). Cytogenetic location: 17p13.1.
Variant type: single nucleotide variant.
Coding change: c.67A>T on transcript NM_016492.5 (MANE Select); coding-DNA position 67, A replaced by T.
Protein change: p.Ile23Phe; replaces isoleucine 23 with phenylalanine.
Molecular consequence: missense variant. On other transcripts: 3 prime UTR variant (1), non-coding transcript variant (1), intron variant (1).
Genome position (GRCh38, 1-based): chr17:8,288,855, A>T. VCF-style: chr17-8288855-A-T. GRCh37 (hg19) VCF-style: chr17-8192173-A-T.
Other names: c.67A>T, p.Ile23Phe (NM_001177801.2, NM_001177802.2, NM_001330127.2); c.*761T>A (NM_201520.3); c.*43-423T>A (NM_001320871.2); short protein forms I23F.
Identifiers: ClinVar variation 3617281 (VCV003617281.2).
Genomic context (GRCh38, chr17:8,288,855, plus strand): 5'-CCCACGAGAGACTGCCCGCTGTTCGGGGGCGCCTTTTCCGCCATCCTCCCCATGGGGGCC[A>T]TTGACGTAAGGTGAGAAGGCCGGGGCGCCCAGGGGCGGCTGACTGGGTGGGTTGTGGGAA-3'
Protein context (NP_057576.2, residues 13-33): AFSAILPMGA[Ile23Phe]DVSDLRPVPD

ClinVar aggregate classification (germline): Uncertain significance (1 of 4 stars; one submission).

Conditions:
Cardiac arrhythmia. Also called: Arrhythmia; Cardiac rhythm disease. Identifiers: MedGen C0003811, MONDO:0007263, HP:0011675.

gnomAD v4.1: 3 of 1,614,176 alleles (0.00019%); highest among the groups gnomAD compares: Admixed American, 0.005%; no homozygotes.

Submission:

Labcorp Genetics (formerly Invitae), Labcorp
Classification: Uncertain significance for Cardiac arrhythmia. Last evaluated: 2025-03-09. Review status: criteria provided, single submitter. Criteria: Invitae Variant Classification Sherloc (09022015). Collection method: clinical testing. Allele origin: germline.
Comment: This sequence change replaces isoleucine, which is neutral and non-polar, with phenylalanine, which is neutral and non-polar, at codon 23 of the RANGRF protein (p.Ile23Phe). This variant is present in population databases (rs371469933, gnomAD 0.006%). This variant has not been reported in the literature in individuals affected with RANGRF-related conditions. An algorithm developed to predict the effect of missense changes on protein structure and function (PolyPhen-2) suggests that this variant is likely to be disruptive. In summary, the available evidence is currently insufficient to determine the role of this variant in disease. Therefore, it has been classified as a Variant of Uncertain Significance.